The following is an entry in ClinVar:

ClinVar aggregate classification (germline): Uncertain significance (1 of 4 stars; one submission).

Submission:

GeneDx
Classification: Uncertain significance. Last evaluated: 2023-10-16. Review status: criteria provided, single submitter. Criteria: GeneDx Variant Classification Process June 2021. Collection method: clinical testing. Allele origin: germline. Affected: yes.
Comment: Not observed at significant frequency in large population cohorts (gnomAD); In silico analysis supports a deleterious effect on protein structure/function; Has not been previously published as pathogenic or benign to our knowledge

NM_001048166.1(STIL):c.923_924delinsTA (p.His308Leu)

Gene: STIL (STIL centriolar assembly protein; minus strand). Cytogenetic location: 1p33.
Variant type: Indel.
Coding change: c.923_924delinsTA on transcript NM_001048166.1 (MANE Select); coding-DNA positions 923 to 924, AT replaced by TA.
Protein change: p.His308Leu; replaces histidine 308 with leucine.
Molecular consequence: missense variant.
Genome position (GRCh38, 1-based): chr1:47,289,534-47,289,535, AT replaced by TA on the plus strand (AT replaced by TA on the coding strand, the reverse complement: STIL is on the minus strand). VCF-style: chr1-47289534-AT-TA. GRCh37 (hg19) VCF-style: chr1-47755206-AT-TA.
Other names: c.923_924delinsTA, p.His308Leu (NM_001282936.1, NM_001282937.1, NM_003035.2); c.782_783delinsTA, p.His261Leu (NM_001282938.1, NM_001282939.1, NM_001377417.1); short protein forms H261L, H308L.
Identifiers: ClinVar variation 3366220 (VCV003366220.1).
Genomic context (GRCh38, chr1:47,289,534, plus strand): 5'-AAACCGAAAGTCAGGTATCTTGCCATCACAAGGGAAGCATTCATAAAACTCAGGTTCCTT[AT>TA]GTGTCATAGAATAGAGAACTATGATGAAATTTCCAGATTCTGAAAAAACCCTGCACAAAA-3'
Protein context (NP_001041631.1, residues 298-318): NFIIVLYSMT[His308Leu]KEPEFYECFP